The following is an entry in ClinVar:

ClinVar aggregate classification (germline): Uncertain significance (1 of 4 stars; one submission).

Conditions:
Nemaline myopathy 6 (NEM6). Also called: Nemaline myopathy 6, autosomal dominant. Identifiers: Orphanet 171439, MedGen C1836472, MONDO:0012237, OMIM 609273.

Allele frequency attached by ClinVar (database versions not stated): gnomAD 0.00001; gnomAD exomes 0.00001; TOPMed 0.00003.

Submission:

Labcorp Genetics (formerly Invitae), Labcorp
Classification: Uncertain significance for Nemaline myopathy 6. Last evaluated: 2023-03-08. Review status: criteria provided, single submitter. Criteria: Invitae Variant Classification Sherloc (09022015). Collection method: clinical testing. Allele origin: germline.
Comment: In summary, the available evidence is currently insufficient to determine the role of this variant in disease. Therefore, it has been classified as a Variant of Uncertain Significance. Advanced modeling of protein sequence and biophysical properties (such as structural, functional, and spatial information, amino acid conservation, physicochemical variation, residue mobility, and thermodynamic stability) performed at Invitae indicates that this missense variant is not expected to disrupt KBTBD13 protein function. ClinVar contains an entry for this variant (Variation ID: 947429). This variant has not been reported in the literature in individuals affected with KBTBD13-related conditions. The frequency data for this variant in the population databases is considered unreliable, as metrics indicate poor data quality at this position in the gnomAD database. This sequence change replaces glycine, which is neutral and non-polar, with serine, which is neutral and polar, at codon 265 of the KBTBD13 protein (p.Gly265Ser).

NM_001101362.3(KBTBD13):c.793G>A (p.Gly265Ser)

Gene: KBTBD13 (kelch repeat and BTB domain containing 13; plus strand). Cytogenetic location: 15q22.31.
Variant type: single nucleotide variant.
Coding change: c.793G>A on transcript NM_001101362.3 (MANE Select); coding-DNA position 793, G replaced by A.
Protein change: p.Gly265Ser; replaces glycine 265 with serine.
Molecular consequence: missense variant.
Genome position (GRCh38, 1-based): chr15:65,077,608, G>A. VCF-style: chr15-65077608-G-A. GRCh37 (hg19) VCF-style: chr15-65369946-G-A.
Other names: short protein forms G265S.
Identifiers: ClinVar variation 947429 (VCV000947429.9), dbSNP rs764697405, ClinGen allele CA271504068.